The following is an entry in ClinVar:

NM_005045.4(RELN):c.9463G>A (p.Val3155Ile)

Genes: SLC26A5-AS1 (SLC26A5 antisense RNA 1; plus strand), RELN (reelin; minus strand), LOC126860130 (BRD4-independent group 4 enhancer GRCh37_chr7:103130126-103131325; plus strand). Cytogenetic location: 7q22.1.
Variant type: single nucleotide variant.
Coding change: c.9463G>A on transcript NM_005045.4 (MANE Select); coding-DNA position 9463, G replaced by A.
Protein change: p.Val3155Ile; replaces valine 3155 with isoleucine.
Molecular consequence: missense variant.
Genome position (GRCh38, 1-based): chr7:103,490,810, C>T on the plus strand (G>A on the coding strand, the complement: RELN is on the minus strand). VCF-style: chr7-103490810-C-T. GRCh37 (hg19) VCF-style: chr7-103131257-C-T.
Other names: c.9463G>A, p.Val3155Ile (NM_173054.3); short protein forms V3155I.
Identifiers: ClinVar variation 652149 (VCV000652149.9), dbSNP rs769668891, ClinGen allele CA4420199.
Genomic context (GRCh38, chr7:103,490,810, plus strand): 5'-GGAACTGGAAAGGGGAGCAGCCAATGCTGTTAGAAGAGGAAGGAAGGCACTGGGTCTGTA[C>T]GAGCTGCCAGGAATCCGATCTGCAGAAACCAAAAGGCTTTGTTAGACAAATTGTAAGAGA-3'
Protein context (NP_005036.2, residues 3145-3165): KDARSDSWQL[Val3155Ile]QTQCLPSSSN

ClinVar aggregate classification (germline): Uncertain significance. Review status: criteria provided, multiple submitters, no conflicts (2 of 4 stars). 2 submissions from 2 submitters: Uncertain significance (2). Last evaluated 2025-05-18.

Conditions:
Norman-Roberts syndrome (LIS2). Also called: Lissencephaly 2 (Norman-Roberts type). Identifiers: Orphanet 89844, MedGen C0796089, MONDO:0009760, OMIM 257320.
Familial temporal lobe epilepsy 7. Identifiers: Orphanet 101046, MedGen C4225327, MONDO:0014639, OMIM 616436.

Allele frequency attached by ClinVar (database versions not stated): gnomAD 0.00003; TOPMed 0.00007.
gnomAD v4.1: 85 of 1,613,996 alleles (0.0053%); highest among the groups gnomAD compares: Non-Finnish European, 0.006%; no homozygotes.

Submissions (2):

Labcorp Genetics (formerly Invitae), Labcorp
Classification: Uncertain significance for Familial temporal lobe epilepsy 7; Norman-Roberts syndrome. Last evaluated: 2025-05-18. Review status: criteria provided, single submitter. Criteria: Invitae Variant Classification Sherloc (09022015). Collection method: clinical testing. Allele origin: germline.
Comment: This sequence change replaces valine, which is neutral and non-polar, with isoleucine, which is neutral and non-polar, at codon 3155 of the RELN protein (p.Val3155Ile). This variant is present in population databases (rs769668891, gnomAD 0.006%). This variant has not been reported in the literature in individuals affected with RELN-related conditions. ClinVar contains an entry for this variant (Variation ID: 652149). Invitae Evidence Modeling of protein sequence and biophysical properties (such as structural, functional, and spatial information, amino acid conservation, physicochemical variation, residue mobility, and thermodynamic stability) has been performed for this missense variant. However, the output from this modeling did not meet the statistical confidence thresholds required to predict the impact of this variant on RELN protein function. In summary, the available evidence is currently insufficient to determine the role of this variant in disease. Therefore, it has been classified as a Variant of Uncertain Significance.

Breakthrough Genomics
Classification: Uncertain significance. Review status: criteria provided, single submitter. Criteria: ACMG Guidelines, 2015. Collection method: not provided. Allele origin: germline. Inheritance: Autosomal recessive inheritance. Affected: yes.